The following is an entry in ClinVar:

NC_000012.11:g.(?_89853395)_(89891139_?)dup

Gene: POC1B (POC1 centriolar protein B; minus strand). Cytogenetic location: 12q21.33.
Variant type: Duplication.
Identifiers: ClinVar variation 1068049 (VCV001068049.6).

ClinVar aggregate classification (germline): Likely pathogenic (1 of 4 stars; one submission).

Submission:

Labcorp Genetics (formerly Invitae), Labcorp
Classification: Likely pathogenic. Last evaluated: 2023-02-15. Review status: criteria provided, single submitter. Criteria: Invitae Variant Classification Sherloc (09022015). Collection method: clinical testing. Allele origin: germline.
Comment: This variant results in a copy number gain of the genomic region encompassing exon(s) 3-10 of the POC1B gene. While the exact position of this variant cannot be determined from the data, sub-genic copy number gains are generally in tandem (PMID: 25640679). This variant is predicted to be out-of-frame, and may result in an absent or disrupted protein product. Loss-of-function variants in POC1B are known to be pathogenic (PMID: 25018096, 29220607). This variant has not been reported in the literature in individuals affected with POC1B-related conditions. In summary, the currently available evidence indicates that the variant is pathogenic, but additional data are needed to prove that conclusively. Therefore, this variant has been classified as Likely Pathogenic.

Literature cited by the submitters: PubMed 25640679; PubMed 25018096; PubMed 29220607.